The following is an entry in ClinVar:

NM_002292.4(LAMB2):c.583C>T (p.Arg195Trp)

Gene: LAMB2 (laminin subunit beta 2; minus strand). Cytogenetic location: 3p21.31.
Variant type: single nucleotide variant.
Coding change: c.583C>T on transcript NM_002292.4 (MANE Select); coding-DNA position 583, C replaced by T.
Protein change: p.Arg195Trp; replaces arginine 195 with tryptophan.
Molecular consequence: missense variant.
Genome position (GRCh38, 1-based): chr3:49,131,600, G>A on the plus strand (C>T on the coding strand, the complement: LAMB2 is on the minus strand). VCF-style: chr3-49131600-G-A. GRCh37 (hg19) VCF-style: chr3-49169033-G-A.
Other names: short protein forms R195W.
Identifiers: ClinVar variation 1480941 (VCV001480941.10), dbSNP rs147986864, ClinGen allele CA2394889.

ClinVar aggregate classification (germline): Uncertain significance. Review status: criteria provided, multiple submitters, no conflicts (2 of 4 stars). 2 submissions from 2 submitters: Uncertain significance (2). Last evaluated 2024-03-27.

Conditions:
Pierson syndrome. Also called: MICROCORIA-CONGENITAL NEPHROTIC SYNDROME. Identifiers: Orphanet 2670, MedGen C1836876, MONDO:0012184, OMIM 609049.
LAMB2-related infantile-onset nephrotic syndrome. Also called: NEPHROTIC SYNDROME, TYPE 5, WITHOUT OCULAR ABNORMALITIES; NEPHROTIC SYNDROME, TYPE 5, WITH OCULAR ABNORMALITIES; Nephrotic Syndrome, type 5. Identifiers: Orphanet 306507, MedGen C3280113, MONDO:0013621, OMIM 614199.

Allele frequency attached by ClinVar (database versions not stated): gnomAD 0.00002; gnomAD exomes 0.00003; TOPMed 0.00003; ExAC 0.00004; ESP Exome Variant Server 0.00015.
gnomAD v4.1: 48 of 1,613,736 alleles (0.003%); highest among the groups gnomAD compares: South Asian, 0.0044%; no homozygotes.

Submissions (2):

Fulgent Genetics
Classification: Uncertain significance for Pierson syndrome; LAMB2-related infantile-onset nephrotic syndrome. Last evaluated: 2024-03-27. Review status: criteria provided, single submitter. Criteria: ACMG Guidelines, 2015. Collection method: clinical testing. Allele origin: germline.

Labcorp Genetics (formerly Invitae), Labcorp
Classification: Uncertain significance for LAMB2-related infantile-onset nephrotic syndrome; Pierson syndrome. Last evaluated: 2022-10-18. Review status: criteria provided, single submitter. Criteria: Invitae Variant Classification Sherloc (09022015). Collection method: clinical testing. Allele origin: germline.
Comment: In summary, the available evidence is currently insufficient to determine the role of this variant in disease. Therefore, it has been classified as a Variant of Uncertain Significance. Algorithms developed to predict the effect of missense changes on protein structure and function are either unavailable or do not agree on the potential impact of this missense change (SIFT: "Tolerated"; PolyPhen-2: "Probably Damaging"; Align-GVGD: "Class C0"). ClinVar contains an entry for this variant (Variation ID: 1480941). This variant has not been reported in the literature in individuals affected with LAMB2-related conditions. This variant is present in population databases (rs147986864, gnomAD 0.006%). This sequence change replaces arginine, which is basic and polar, with tryptophan, which is neutral and slightly polar, at codon 195 of the LAMB2 protein (p.Arg195Trp).